The following is an entry in ClinVar:

ClinVar aggregate classification (germline): Uncertain significance (1 of 4 stars; one submission).

Conditions:
Hypertrophic cardiomyopathy. Also called: HYPERTROPHIC MYOCARDIOPATHY. Identifiers: Orphanet 217569, MedGen C0007194, MeSH D002312, MONDO:0005045, HP:0001639.

Submission:

Labcorp Genetics (formerly Invitae), Labcorp
Classification: Uncertain significance for Hypertrophic cardiomyopathy. Last evaluated: 2020-03-05. Review status: criteria provided, single submitter. Criteria: Invitae Variant Classification Sherloc (09022015). Collection method: clinical testing. Allele origin: germline.
Comment: This variant is a gross deletion of the genomic region encompassing exons 32-40 of the MYH7 gene. The 5' boundary is likely confined to intron 31. The 3' end of this event is unknown as it extends through the termination codon beyond the assayed region for this gene and may encompass additional genes. While this deletion is not anticipated to result in nonsense mediated decay, it is expected to create a truncated protein product or disrupt mRNA translation. This variant has not been reported in the literature in individuals with MYH7-related conditions. In summary, the available evidence is currently insufficient to determine the role of this variant in disease. Therefore, it has been classified as a Variant of Uncertain Significance.

NC_000014.8:g.(?_23856957)_(23886537_?)del

Genes: MYH6 (myosin heavy chain 6; minus strand), MYH7 (myosin heavy chain 7; minus strand), MIR208A (microRNA 208a; minus strand). Cytogenetic location: 14q11.2.
Variant type: Deletion.
Identifiers: ClinVar variation 1014525 (VCV001014525.1).